The following is an entry in ClinVar:

NM_004370.6(COL12A1):c.7526C>G (p.Pro2509Arg)

Gene: COL12A1 (collagen type XII alpha 1 chain; minus strand). Cytogenetic location: 6q13.
Variant type: single nucleotide variant.
Coding change: c.7526C>G on transcript NM_004370.6 (MANE Select); coding-DNA position 7526, C replaced by G.
Protein change: p.Pro2509Arg; replaces proline 2509 with arginine.
Molecular consequence: missense variant.
Genome position (GRCh38, 1-based): chr6:75,116,051, G>C on the plus strand (C>G on the coding strand, the complement: COL12A1 is on the minus strand). VCF-style: chr6-75116051-G-C. GRCh37 (hg19) VCF-style: chr6-75825767-G-C.
Other names: c.4034C>G, p.Pro1345Arg (NM_080645.3); short protein forms P1345R, P2509R.
Identifiers: ClinVar variation 1320912 (VCV001320912.7), dbSNP rs781184043, ClinGen allele CA364746013.

ClinVar aggregate classification (germline): Uncertain significance. Review status: criteria provided, multiple submitters, no conflicts (2 of 4 stars). 3 submissions from 3 submitters: Uncertain significance (3). Last evaluated 2026-01-28.

Conditions:
Ullrich congenital muscular dystrophy 2 (UCMD2). Identifiers: Orphanet 75840, MedGen C4225314, MONDO:0014654, OMIM 616470.
Bethlem myopathy 2 (BTHLM2). Identifiers: Orphanet 536516, Orphanet 610, MedGen C4225313, MONDO:0034022, OMIM 616471.

Allele frequency attached by ClinVar (database versions not stated): gnomAD 0.00002; TOPMed 0.00002.
gnomAD v4.1: 36 of 1,612,982 alleles (0.0022%); highest among the groups gnomAD compares: Non-Finnish European, 0.003%; no homozygotes.

Submissions (3):

Labcorp Genetics (formerly Invitae), Labcorp
Classification: Uncertain significance for Bethlem myopathy 2; Ullrich congenital muscular dystrophy 2. Last evaluated: 2026-01-28. Review status: criteria provided, single submitter. Criteria: Invitae Variant Classification Sherloc (09022015). Collection method: clinical testing. Allele origin: germline.
Comment: This sequence change replaces proline, which is neutral and non-polar, with arginine, which is basic and polar, at codon 2509 of the COL12A1 protein (p.Pro2509Arg). This variant is present in population databases (no rsID available, gnomAD 0.002%). This variant has not been reported in the literature in individuals affected with COL12A1-related conditions. ClinVar contains an entry for this variant (Variation ID: 1320912). Invitae Evidence Modeling of protein sequence and biophysical properties (such as structural, functional, and spatial information, amino acid conservation, physicochemical variation, residue mobility, and thermodynamic stability) indicates that this missense variant is not expected to disrupt COL12A1 protein function with a negative predictive value of 80%. In summary, the available evidence is currently insufficient to determine the role of this variant in disease. Therefore, it has been classified as a Variant of Uncertain Significance.

Blueprint Genetics
Classification: Uncertain significance. Last evaluated: 2024-07-11. Review status: criteria provided, single submitter. Criteria: ACMG Guidelines, 2015. Collection method: clinical testing. Allele origin: germline.

GeneDx
Classification: Uncertain significance. Last evaluated: 2024-01-25. Review status: criteria provided, single submitter. Criteria: GeneDx Variant Classification Process June 2021. Collection method: clinical testing. Allele origin: germline. Affected: yes.
Comment: Not observed at significant frequency in large population cohorts (gnomAD); In silico analysis supports that this missense variant has a deleterious effect on protein structure/function; Has not been previously published as pathogenic or benign to our knowledge